The following is an entry in ClinVar:

ClinVar aggregate classification (germline): Conflicting classifications of pathogenicity. Review status: criteria provided, conflicting classifications (1 of 4 stars). 2 submissions from 2 submitters: Uncertain significance (1); Likely benign (1). Last evaluated 2024-09-24.

Conditions:
Autosomal recessive early-onset Parkinson disease 6 (PARK6). Also called: PARKINSON DISEASE 6, EARLY-ONSET; PINK1-Related Parkinson Disease; PARKINSON DISEASE 6, MODIFIER OF; PINK1 Type of Young-Onset Parkinson Disease. Identifiers: Orphanet 2828, MedGen C1853833, MONDO:0011613, OMIM 605909.

Allele frequency attached by ClinVar (database versions not stated): gnomAD exomes 0.00005 and 0.00019; gnomAD 0.00006 and 0.00007; TOPMed 0.00009; 1000 Genomes Project 30x 0.00016; ExAC 0.00019; 1000 Genomes Project 0.00020.
gnomAD v4.1: 88 of 1,614,116 alleles (0.0055%); highest among the groups gnomAD compares: East Asian, 0.19%; no homozygotes.

Submissions (2):

Labcorp Genetics (formerly Invitae), Labcorp
Classification: Likely benign for Autosomal recessive early-onset Parkinson disease 6. Last evaluated: 2024-09-24. Review status: criteria provided, single submitter. Criteria: Invitae Variant Classification Sherloc (09022015). Collection method: clinical testing. Allele origin: germline.

GeneDx
Classification: Uncertain significance. Last evaluated: 2022-11-22. Review status: criteria provided, single submitter. Criteria: GeneDx Variant Classification Process June 2021. Collection method: clinical testing. Allele origin: germline. Affected: yes.
Comment: Reported in the heterozygous state in individuals with parkinsonism (Lee et al., 2009; Hayashida et al., 2021); In silico analysis supports that this missense variant does not alter protein structure/function; This variant is associated with the following publications: (PMID: 22644621, 32713623, 19006224)

NM_032409.3(PINK1):c.1023G>A (p.Met341Ile)

Genes: PINK1 (PTEN induced kinase 1; plus strand), PINK1-AS (PINK1 antisense RNA; minus strand). Cytogenetic location: 1p36.12.
Variant type: single nucleotide variant.
Coding change: c.1023G>A on transcript NM_032409.3 (MANE Select); coding-DNA position 1023, G replaced by A.
Protein change: p.Met341Ile; replaces methionine 341 with isoleucine.
Molecular consequence: missense variant. On other transcripts: non-coding transcript variant (1).
Genome position (GRCh38, 1-based): chr1:20,645,623, G>A. VCF-style: chr1-20645623-G-A. GRCh37 (hg19) VCF-style: chr1-20972116-G-A.
Other names: c.1023G>A (NM_032409.2); short protein forms M341I.
Identifiers: ClinVar variation 1139313 (VCV001139313.9), dbSNP rs35813094, ClinGen allele CA660672.